The following is an entry in ClinVar:

ClinVar aggregate classification (germline): Uncertain significance (1 of 4 stars; one submission).

Conditions:
Developmental and epileptic encephalopathy, 31A. Also called: Developmental and epileptic encephalopathy, 31; Epileptic encephalopathy, early infantile, 31. Identifiers: Orphanet 2382, MedGen C4225357, MONDO:0014598, OMIM 616346.

Allele frequency attached by ClinVar (database versions not stated): gnomAD 0.00001; gnomAD exomes 0.00001; TOPMed 0.00001.
gnomAD v4.1: 18 of 1,595,944 alleles (0.0011%); highest among the groups gnomAD compares: Non-Finnish European, 0.0014%; no homozygotes.

Submission:

Labcorp Genetics (formerly Invitae), Labcorp
Classification: Uncertain significance for Developmental and epileptic encephalopathy, 31A. Last evaluated: 2022-04-09. Review status: criteria provided, single submitter. Criteria: Invitae Variant Classification Sherloc (09022015). Collection method: clinical testing. Allele origin: germline.
Comment: In summary, the available evidence is currently insufficient to determine the role of this variant in disease. Therefore, it has been classified as a Variant of Uncertain Significance. Variants that disrupt the consensus splice site are a relatively common cause of aberrant splicing (PMID: 17576681, 9536098). This variant has not been reported in the literature in individuals affected with DNM1-related conditions. This variant is not present in population databases (gnomAD no frequency). This sequence change falls in intron 21 of the DNM1 gene. It does not directly change the encoded amino acid sequence of the DNM1 protein. It affects a nucleotide within the consensus splice site.

Literature cited by the submitters: PubMed 17576681; PubMed 9536098.

NM_004408.4(DNM1):c.2535-1G>A

Gene: DNM1 (dynamin 1; plus strand). Cytogenetic location: 9q34.11.
Variant type: single nucleotide variant.
Coding change: c.2535-1G>A on transcript NM_004408.4 (MANE Select); the canonical splice acceptor site of the intron before coding-DNA position 2535, G replaced by A.
Molecular consequence: splice acceptor variant. On other transcripts: 3 prime UTR variant (2).
Genome position (GRCh38, 1-based): chr9:128,254,653, G>A. VCF-style: chr9-128254653-G-A. GRCh37 (hg19) VCF-style: chr9-131016932-G-A.
Other names: c.*660G>A (NM_001288738.2); c.*575G>A (NM_001374269.1); c.*16-1G>A (NM_001005336.3, NM_001288737.2); c.2535-1G>A (NM_001288739.2).
Identifiers: ClinVar variation 2086839 (VCV002086839.4), dbSNP rs1829747310, ClinGen allele CA375002942.